The following is an entry in ClinVar:

NM_000138.5(FBN1):c.5672-87A>G

Gene: FBN1 (fibrillin 1; minus strand). Cytogenetic location: 15q21.1.
Variant type: single nucleotide variant.
Coding change: c.5672-87A>G on transcript NM_000138.5 (MANE Select); 87 bases into the intron before coding-DNA position 5672, A replaced by G.
Molecular consequence: intron variant.
Genome position (GRCh38, 1-based): chr15:48,446,909, T>C on the plus strand (A>G on the coding strand, the complement: FBN1 is on the minus strand). VCF-style: chr15-48446909-T-C. GRCh37 (hg19) VCF-style: chr15-48739106-T-C.
Identifiers: ClinVar variation 406280 (VCV000406280.35), dbSNP rs1060501029, ClinGen allele CA16614509.
Genomic context (GRCh38, chr15:48,446,909, plus strand): 5'-ACATAATTATAAGTAGAAAAAGTGGTTACACGGTTACAGTGGCTAAAGAGCATTTTAGGG[T>C]TCACCAGGCCTCATCCATAGGCTGAGAACTTCTTGATGTTGGTATCAGCTCCAGCAGCAG-3'

ClinVar aggregate classification (germline): Likely pathogenic. Review status: criteria provided, multiple submitters, no conflicts (2 of 4 stars). 2 submissions from 2 submitters: Likely pathogenic (2). Last evaluated 2022-12-01.

Conditions:
Familial thoracic aortic aneurysm and aortic dissection (TAAD). Also called: Thoracic aortic aneurysms and dissections. Identifiers: Orphanet 91387, MedGen C4707243, MONDO:0019625.
Marfan syndrome (MFS). Also called: Marfan syndrome type 1; Marfan's syndrome; FBN1-Related Marfan Syndrome; MARFAN SYNDROME, TYPE I; Marfan syndrome, classic. Identifiers: Orphanet 284963, Orphanet 558, MedGen C0024796, MONDO:0007947, OMIM 154700.

Submissions (2):

CeGaT Center for Human Genetics Tuebingen
Classification: Likely pathogenic. Last evaluated: 2022-12-01. Review status: criteria provided, single submitter. Criteria: CeGaT Center For Human Genetics Tuebingen Variant Classification Criteria Version 2. Collection method: clinical testing. Allele origin: germline. Affected: yes. Observed: 1 variant allele.
Comment: FBN1: PM2, PS4:Moderate, PP3, PP4

Labcorp Genetics (formerly Invitae), Labcorp
Classification: Likely pathogenic for Marfan syndrome; Familial thoracic aortic aneurysm and aortic dissection. Last evaluated: 2018-02-06. Review status: criteria provided, single submitter. Criteria: Invitae Variant Classification Sherloc (09022015). Collection method: clinical testing. Allele origin: germline.
Comment: This variant is not present in population databases (ExAC no frequency), but is also found in a region that is not covered by the ExAC dataset. As a result, the true frequency of this variant in the population is unknown. In summary, the currently available evidence indicates that the variant is pathogenic, but additional data are needed to prove that conclusively. Therefore, this variant has been classified as Likely Pathogenic. Experimental studies have shown that this intronic change may activate a cryptic splice donor and may lead to a truncated or absent protein (PMID: 26787436). This variant has been observed in an individual with findings that are highly specific for Marfan syndrome (PMID: 26787436) and has been shown to segregate with FBN-related disease in a single family (Invitae). This sequence change falls in intron 46 of the FBN1 gene. It does not directly change the encoded amino acid sequence of the FBN1 protein.

Literature cited by the submitters: PubMed 26787436 (cited by Labcorp Genetics (formerly Invitae), Labcorp).